The following is an entry in ClinVar:

ClinVar aggregate classification (germline): Uncertain significance. Review status: criteria provided, multiple submitters, no conflicts (2 of 4 stars). 2 submissions from 2 submitters: Uncertain significance (2). Last evaluated 2022-05-17.

Conditions:
Fanconi anemia complementation group L (FANCL). Also called: FANCL-Related Fanconi Anemia. Identifiers: Orphanet 84, MedGen C3469528, MONDO:0013566, OMIM 614083.
Fanconi anemia (FA). Also called: Fanconi's anemia. Identifiers: Orphanet 84, MedGen C0015625, MeSH D005199, MONDO:0019391.

Allele frequency attached by ClinVar (database versions not stated): gnomAD exomes below 0.00001; TOPMed 0.00001.
gnomAD v4.1: 13 of 1,613,460 alleles (0.00081%); highest among the groups gnomAD compares: Non-Finnish European, 0.00093%; no homozygotes.

Submissions (2):

Fulgent Genetics
Classification: Uncertain significance for Fanconi anemia complementation group L. Last evaluated: 2022-05-17. Review status: criteria provided, single submitter. Criteria: ACMG Guidelines, 2015. Collection method: clinical testing. Allele origin: unknown.

Labcorp Genetics (formerly Invitae), Labcorp
Classification: Uncertain significance for Fanconi anemia. Last evaluated: 2021-05-01. Review status: criteria provided, single submitter. Criteria: Invitae Variant Classification Sherloc (09022015). Collection method: clinical testing. Allele origin: germline.
Comment: In summary, the available evidence is currently insufficient to determine the role of this variant in disease. Therefore, it has been classified as a Variant of Uncertain Significance. Algorithms developed to predict the effect of sequence changes on RNA splicing suggest that this variant may create or strengthen a splice site, but this prediction has not been confirmed by published transcriptional studies. Algorithms developed to predict the effect of missense changes on protein structure and function output the following: SIFT: "Tolerated"; PolyPhen-2: "Benign"; Align-GVGD: "Class C0". The valine amino acid residue is found in multiple mammalian species, suggesting that this missense change does not adversely affect protein function. These predictions have not been confirmed by published functional studies and their clinical significance is uncertain. This variant has not been reported in the literature in individuals with FANCL-related conditions. This variant is not present in population databases (ExAC no frequency). This sequence change replaces methionine with valine at codon 81 of the FANCL protein (p.Met81Val). The methionine residue is moderately conserved and there is a small physicochemical difference between methionine and valine.

NM_018062.4(FANCL):c.241A>G (p.Met81Val)

Gene: FANCL (FA complementation group L; minus strand). Cytogenetic location: 2p16.1.
Variant type: single nucleotide variant.
Coding change: c.241A>G on transcript NM_018062.4 (MANE Select); coding-DNA position 241, A replaced by G.
Protein change: p.Met81Val; replaces methionine 81 with valine.
Molecular consequence: missense variant.
Genome position (GRCh38, 1-based): chr2:58,226,760, T>C on the plus strand (A>G on the coding strand, the complement: FANCL is on the minus strand). VCF-style: chr2-58226760-T-C. GRCh37 (hg19) VCF-style: chr2-58453895-T-C.
Other names: c.241A>G, p.Met81Val (NM_001114636.2, NM_001374615.1, NM_001410792.1); short protein forms M81V.
Identifiers: ClinVar variation 1422855 (VCV001422855.9), dbSNP rs1440897827, ClinGen allele CA347034680.